The following is an entry in ClinVar:

ClinVar aggregate classification (germline): Pathogenic/Likely pathogenic. Review status: criteria provided, multiple submitters, no conflicts (2 of 4 stars). 2 submissions from 2 submitters: Pathogenic (1); Likely pathogenic (1). Last evaluated 2025-10-07.

Conditions:
LZTR1-related schwannomatosis. Also called: Schwannomatosis-2, susceptibility to; Schwannomatosis 2. Identifiers: Orphanet 93921, MedGen C3810283, MONDO:0014299, OMIM 615670.

Submissions (2):

Labcorp Genetics (formerly Invitae), Labcorp
Classification: Pathogenic. Last evaluated: 2025-10-07. Review status: criteria provided, single submitter. Criteria: Invitae Variant Classification Sherloc (09022015). Collection method: clinical testing. Allele origin: germline.
Comment: This sequence change creates a premature translational stop signal (p.Tyr747Leufs*35) in the LZTR1 gene. It is expected to result in an absent or disrupted protein product. Loss-of-function variants in LZTR1 are known to be pathogenic (PMID: 24362817, 25335493, 25480913, 25795793, 29469822, 30368668, 30442762, 30442766, 30481304, 30859559). This variant is not present in population databases (gnomAD no frequency). This variant has not been reported in the literature in individuals affected with LZTR1-related conditions. For these reasons, this variant has been classified as Pathogenic.

Genomic Medicine Center of Excellence, King Faisal Specialist Hospital and Research Centre
Classification: Likely pathogenic for LZTR1-related schwannomatosis. Last evaluated: 2025-09-10. Review status: criteria provided, single submitter. Criteria: ACMG Guidelines, 2015. Collection method: clinical testing. Allele origin: germline.

Literature cited by the submitters: PubMed 24362817 (cited by Labcorp Genetics (formerly Invitae), Labcorp); PubMed 25335493 (cited by Labcorp Genetics (formerly Invitae), Labcorp); PubMed 25480913 (cited by Labcorp Genetics (formerly Invitae), Labcorp); PubMed 25795793 (cited by Labcorp Genetics (formerly Invitae), Labcorp); PubMed 29469822 (cited by Labcorp Genetics (formerly Invitae), Labcorp); PubMed 30368668 (cited by Labcorp Genetics (formerly Invitae), Labcorp); PubMed 30442762 (cited by Labcorp Genetics (formerly Invitae), Labcorp); PubMed 30442766 (cited by Labcorp Genetics (formerly Invitae), Labcorp); PubMed 30481304 (cited by Labcorp Genetics (formerly Invitae), Labcorp); PubMed 30859559 (cited by Labcorp Genetics (formerly Invitae), Labcorp).

NM_006767.4(LZTR1):c.2238dup (p.Tyr747fs)

Gene: LZTR1 (leucine zipper like post translational regulator 1; plus strand). Cytogenetic location: 22q11.21.
Variant type: Duplication.
Coding change: c.2238dup on transcript NM_006767.4 (MANE Select); coding-DNA position 2238, one base duplicated (C; older notation c.2238dupC).
Protein change: p.Tyr747fs; shifts the reading frame from tyrosine 747.
Molecular consequence: frameshift variant.
Genome position (GRCh38, 1-based): chr22:20,996,714, C duplicated; the last of 5 consecutive C bases (chr22:20,996,710-20,996,714); duplicating any one gives the same sequence. VCF-style (leftmost placement, unchanged base first): chr22-20996709-G-GC. GRCh37 (hg19) VCF-style: chr22-21350998-G-GC.
Other names: short protein forms Y747fs.
Identifiers: ClinVar variation 4278164 (VCV004278164.2).